The following is an entry in ClinVar:

ClinVar aggregate classification (germline): Uncertain significance. Review status: criteria provided, multiple submitters, no conflicts (2 of 4 stars). 2 submissions from 2 submitters: Uncertain significance (2). Last evaluated 2026-05-14.

Conditions:
Inborn genetic diseases. Identifiers: MedGen C0950123, MeSH D030342.
PCNT-related disorder. Also called: PCNT-related condition.

gnomAD v4.1: 20 of 1,607,980 alleles (0.0012%); highest among the groups gnomAD compares: African/African-American, 0.0067%; no homozygotes.

Submissions (2):

PreventionGenetics, part of Exact Sciences
Classification: Uncertain significance for PCNT-related condition. Last evaluated: 2026-05-14. Review status: criteria provided, single submitter. Criteria: ACMG Guidelines, 2015. Collection method: clinical testing. Allele origin: germline.
Comment: The PCNT c.9995C>T variant is predicted to result in the amino acid substitution p.Pro3332Leu. To our knowledge, this variant has not been reported in the literature. This variant is reported in 0.016% of alleles in individuals of African descent in gnomAD. At this time, the clinical significance of this variant is uncertain due to the absence of conclusive functional and genetic evidence.

Ambry Genetics
Classification: Uncertain significance for Inborn genetic diseases. Last evaluated: 2024-09-02. Review status: criteria provided, single submitter. Criteria: Ambry Variant Classification Scheme 2023. Collection method: clinical testing. Allele origin: germline.

NM_006031.6(PCNT):c.9995C>T (p.Pro3332Leu)

Gene: PCNT (pericentrin; plus strand). Cytogenetic location: 21q22.3.
Variant type: single nucleotide variant.
Coding change: c.9995C>T on transcript NM_006031.6 (MANE Select); coding-DNA position 9995, C replaced by T.
Protein change: p.Pro3332Leu; replaces proline 3332 with leucine.
Molecular consequence: missense variant.
Genome position (GRCh38, 1-based): chr21:46,445,311, C>T. VCF-style: chr21-46445311-C-T. GRCh37 (hg19) VCF-style: chr21-47865224-C-T.
Other names: c.9404C>T, p.Pro3135Leu (NM_001315529.2); short protein forms P3332L, P3135L.
Identifiers: ClinVar variation 3415861 (VCV003415861.2).